The following is an entry in ClinVar:

NM_024757.5(EHMT1):c.824-6_824-3del

Gene: EHMT1 (euchromatic histone lysine methyltransferase 1; plus strand). Cytogenetic location: 9q34.3.
Variant type: Deletion.
Coding change: c.824-6_824-3del on transcript NM_024757.5 (MANE Select); 6 bases into the intron before coding-DNA position 824 through 3 bases into the intron before coding-DNA position 824, 4 bases deleted (TTTT; older notation c.824-6_824-3delTTTT).
Molecular consequence: intron variant.
Genome position (GRCh38, 1-based): chr9:137,743,365-137,743,368, TTTT deleted; deleting any 4 consecutive bases within chr9:137,743,353-137,743,368 gives the same sequence; the c. name uses the placement nearest the transcript's 3' end. VCF-style (leftmost placement, unchanged base first): chr9-137743352-CTTTT-C. GRCh37 (hg19) VCF-style: chr9-140637804-CTTTT-C.
Other names: c.824-27_824-24del (NM_001354263.2); c.731-6_731-3del (NM_001354259.2, NM_001354612.2); c.824-6_824-3del (NM_001145527.2, NM_001354611.2).
Identifiers: ClinVar variation 3055177 (VCV003055177.2), dbSNP rs34385417, ClinGen allele CA5374427.

ClinVar aggregate classification (germline): Likely benign (0 of 4 stars; one submission).

Conditions:
EHMT1-related disorder. Also called: EHMT1-related condition.

Submission:

PreventionGenetics, part of Exact Sciences
Classification: Likely benign for EHMT1-related condition. Last evaluated: 2023-03-31. Review status: no assertion criteria provided. Collection method: clinical testing. Allele origin: germline.
Comment: This variant is classified as likely benign based on ACMG/AMP sequence variant interpretation guidelines (Richards et al. 2015 PMID: 25741868, with internal and published modifications).